The following is an entry in ClinVar:

ClinVar aggregate classification (germline): Likely benign (0 of 4 stars; one submission).

Conditions:
ZMYM6-related disorder. Also called: ZMYM6-related condition.

Submission:

PreventionGenetics, part of Exact Sciences
Classification: Likely benign for ZMYM6-related condition. Last evaluated: 2019-10-28. Review status: no assertion criteria provided. Collection method: clinical testing. Allele origin: germline.
Comment: This variant is classified as likely benign based on ACMG/AMP sequence variant interpretation guidelines (Richards et al. 2015 PMID: 25741868, with internal and published modifications).

NM_007167.4(ZMYM6):c.94-6_94-5del

Gene: ZMYM6 (zinc finger MYM-type containing 6; minus strand). Cytogenetic location: 1p34.3.
Variant type: Deletion.
Coding change: c.94-6_94-5del on transcript NM_007167.4 (MANE Select); 6 bases into the intron before coding-DNA position 94 through 5 bases into the intron before coding-DNA position 94, 2 bases deleted (TT; older notation c.94-6_94-5delTT).
Molecular consequence: intron variant.
Genome position (GRCh38, 1-based): chr1:35,020,472-35,020,473, AA deleted on the plus strand (TT on the coding strand, the reverse complement: ZMYM6 is on the minus strand); deleting any 2 consecutive bases within chr1:35,020,472-35,020,482 gives the same sequence; the c. name uses the placement nearest the transcript's 3' end. VCF-style (leftmost placement, unchanged base first): chr1-35020471-TAA-T. GRCh37 (hg19) VCF-style: chr1-35486072-TAA-T.
Identifiers: ClinVar variation 3053011 (VCV003053011.2), dbSNP rs11476047, ClinGen allele CA756847.
Genomic context (GRCh38, chr1:35,020,471, plus strand): 5'-ACCACCAATTTTCAATTTACTTTCTTGAGTTTTTGGCTGTTGGACACATCCATACTCCTT[TAA>T]AAAAAAAAAGAAAAGAGAAAAGAGCAATGAATACAATGTATGTAAGTAAACTAGAAATTC-3'